The following is an entry in ClinVar:

ClinVar aggregate classification (germline): Uncertain significance. Review status: criteria provided, multiple submitters, no conflicts (2 of 4 stars). 4 submissions from 4 submitters: Uncertain significance (4). Last evaluated 2025-12-16.

Conditions:
Primary dilated cardiomyopathy (DCM). Also called: Dilated Cardiomyopathy. Identifiers: Orphanet 217604, MedGen C0007193, MeSH D002311, MONDO:0005021, HP:0001644. Inheritance: Various modes of inheritance.

Allele frequency attached by ClinVar (database versions not stated): ExAC 0.00007; ESP Exome Variant Server 0.00008; gnomAD exomes 0.00005 and 0.00008; gnomAD 0.00006 and 0.00008; TOPMed 0.00011.
gnomAD v4.1: 122 of 1,613,970 alleles (0.0076%); highest among the groups gnomAD compares: Middle Eastern, 0.017%; no homozygotes.

Submissions (4):

Ambry Genetics
Classification: Uncertain significance. Last evaluated: 2025-12-16. Review status: criteria provided, single submitter. Criteria: Ambry Variant Classification Scheme 2023. Collection method: clinical testing. Allele origin: germline.

Labcorp Genetics (formerly Invitae), Labcorp
Classification: Uncertain significance for Primary dilated cardiomyopathy. Last evaluated: 2025-09-22. Review status: criteria provided, single submitter. Criteria: Invitae Variant Classification Sherloc (09022015). Collection method: clinical testing. Allele origin: germline.
Comment: This sequence change replaces valine, which is neutral and non-polar, with isoleucine, which is neutral and non-polar, at codon 800 of the NEBL protein (p.Val800Ile). This variant is present in population databases (rs367986765, gnomAD 0.02%). This variant has not been reported in the literature in individuals affected with NEBL-related conditions. ClinVar contains an entry for this variant (Variation ID: 178094). An algorithm developed to predict the effect of missense changes on protein structure and function (PolyPhen-2) suggests that this variant is likely to be tolerated. In summary, the available evidence is currently insufficient to determine the role of this variant in disease. Therefore, it has been classified as a Variant of Uncertain Significance.

Victorian Clinical Genetics Services, Murdoch Childrens Research Institute
Classification: Uncertain significance for Primary dilated cardiomyopathy. Last evaluated: 2021-05-06. Review status: criteria provided, single submitter. Criteria: ACMG Guidelines, 2015. Collection method: clinical testing. Allele origin: germline. Inheritance: Autosomal dominant inheritance.
Comment: Based on the classification scheme VCGS_Germline_v1.3.4, this variant is classified as VUS-3C. Following criteria are met: 0105 - The mechanism of disease for this gene is not clearly established. However, loss of function is an unlikely mechanism of disease, as null mouse models have normal cardiac function (PMID: 25987543). (I) 0107 - This gene is associated with autosomal dominant disease. (I) 0200 - Variant is predicted to result in a missense amino acid change from valine to isoleucine. (I) 0251 - This variant is heterozygous. (I) 0302 - Variant is present in gnomAD (v3) <0.001 for a dominant condition (12 heterozygotes, 1 homozygote). (SP) 0504 - Same amino acid change has been observed in placental mammals. (SB) 0600 - Variant is located in the annotated nebulin 23 repeat (Uniprot). (I) 0705 - No comparable missense variants have previous evidence for pathogenicity. (I) 0809 - Previous evidence of pathogenicity for this variant is inconclusive. The variant has been reported as a variant of uncertain significance (VUS) (ClinVar). (I) 0905 - No published segregation evidence has been identified for this variant. (I) 1007 - No published functional evidence has been identified for this variant. (I) 1208 - Inheritance information for this variant is not currently available in this individual. (I) Legend: (SP) - Supporting pathogenic, (I) - Information, (SB) - Supporting benign

Laboratory for Molecular Medicine, Mass General Brigham Personalized Medicine
Classification: Uncertain significance. Last evaluated: 2014-06-27. Review status: criteria provided, single submitter. Criteria: LMM Criteria. Collection method: clinical testing. Allele origin: germline. Observed: 1 variant allele.
Comment: Variant classified as Uncertain Significance - Favor Benign. The Val800Ile varia nt in NEBL has not been previously reported in individuals with cardiomyopathy, but has been identified in 1/4406 of African American chromosomes by the NHLBI E xome Sequencing Project (dbSNP rs367986765). Computational prediction tools and conservation analysis suggest that this varia nt may not impact the protein and lizard and prairie vole both carry an isoleuci ne (Ile) at this position, raising the possibility that this change may be toler ated. In summary, while the clinical significance of the Val1800Ile variant is u ncertain, these data suggest that it is more likely to be benign.

Literature cited by the submitters: PubMed 25987543 (cited by Victorian Clinical Genetics Services, Murdoch Childrens Research Institute).

NM_006393.3(NEBL):c.2398G>A (p.Val800Ile)

Gene: NEBL (nebulette; minus strand). Cytogenetic location: 10p12.31.
Variant type: single nucleotide variant.
Coding change: c.2398G>A on transcript NM_006393.3 (MANE Select); coding-DNA position 2398, G replaced by A.
Protein change: p.Val800Ile; replaces valine 800 with isoleucine.
Molecular consequence: missense variant.
Genome position (GRCh38, 1-based): chr10:20,812,889, C>T on the plus strand (G>A on the coding strand, the complement: NEBL is on the minus strand). VCF-style: chr10-20812889-C-T. GRCh37 (hg19) VCF-style: chr10-21101818-C-T.
Other names: c.409G>A, p.Val137Ile (NM_001173484.2, NM_001377322.1, NM_213569.2); c.361G>A, p.Val121Ile (NM_001377323.1); c.352G>A, p.Val118Ile (NM_001377324.1); c.343G>A, p.Val115Ile (NM_001377325.1); c.301G>A, p.Val101Ile (NM_001377326.1, NM_001377327.1, NM_001377328.1); short protein forms V137I, V800I, V101I, V115I, V118I, V121I.
Identifiers: ClinVar variation 178094 (VCV000178094.14), dbSNP rs367986765, ClinGen allele CA181387.